The following is an entry in ClinVar:

NM_001101426.4(CRPPA):c.1354T>A (p.Ter452Arg)

Gene: CRPPA (CDP-L-ribitol pyrophosphorylase A; minus strand). Cytogenetic location: 7p21.2.
Variant type: single nucleotide variant.
Coding change: c.1354T>A on transcript NM_001101426.4 (MANE Select); coding-DNA position 1354, T replaced by A.
Protein change: p.Ter452Arg.
Molecular consequence: stop lost. On other transcripts: non-coding transcript variant (1).
Genome position (GRCh38, 1-based): chr7:16,091,697, A>T on the plus strand (T>A on the coding strand, the complement: CRPPA is on the minus strand). VCF-style: chr7-16091697-A-T. GRCh37 (hg19) VCF-style: chr7-16131322-A-T.
Other names: *452R; *402R; *417R; c.1204T>A, p.Ter402Arg (NM_001101417.4); c.1249T>A, p.Ter417Arg (NM_001368197.1).
Identifiers: ClinVar variation 561034 (VCV000561034.8), dbSNP rs186882839, ClinGen allele CA154724612.

ClinVar aggregate classification (germline): Conflicting classifications of pathogenicity. Review status: criteria provided, conflicting classifications (1 of 4 stars). 5 submissions from 5 submitters: Pathogenic (1); Likely pathogenic (1); Uncertain significance (3). Last evaluated 2026-01-13.

Conditions:
ISPD-related disorder.
Muscular dystrophy-dystroglycanopathy (congenital with brain and eye anomalies), type A, 7. Also called: WALKER-WARBURG SYNDROME OR MUSCLE-EYE-BRAIN DISEASE, ISPD-RELATED; Congenital muscular dystrophy-dystroglycanopathy with brain and eye anomalies, type A7. Identifiers: Orphanet 899, MedGen C3553330, MONDO:0013835, OMIM 614643.
Autosomal recessive limb-girdle muscular dystrophy type 2U. Also called: Muscular dystrophy-dystroglycanopathy (limb-girdle), type c, 7; MUSCULAR DYSTROPHY, LIMB-GIRDLE, TYPE 2U. Identifiers: Orphanet 352479, MedGen C5190987, MONDO:0014474, OMIM 616052.

Allele frequency attached by ClinVar (database versions not stated): 1000 Genomes Project 30x 0.00016; 1000 Genomes Project 0.00020; gnomAD 0.00001; TOPMed 0.00002; gnomAD exomes 0.00003.
gnomAD v4.1: 7 of 1,527,814 alleles (0.00046%); highest among the groups gnomAD compares: Admixed American, 0.012%; no homozygotes.

Submissions (5):

3billion
Classification: Uncertain significance for Muscular dystrophy-dystroglycanopathy (congenital with brain and eye anomalies), type A, 7. Last evaluated: 2026-01-13. Review status: criteria provided, single submitter. Criteria: ACMG Guidelines, 2015. Collection method: clinical testing. Allele origin: germline. Affected: yes.
Comment: The variant is observed at an extremely low frequency in the gnomAD v4.1.0 dataset (total allele frequency: <0.001%). Predicted Consequence/Location: Stop lost variant The variant has been reported to be associated with CRPPA-related disorder (PMID: 22522420, 28973083). However, the evidence of pathogenicity is insufficient at this time. Therefore, this variant is classified as VUS according to the recommendation of ACMG/AMP guideline.

Daryl Scott Lab, Baylor College of Medicine
Classification: Uncertain significance for Muscular dystrophy-dystroglycanopathy (congenital with brain and eye anomalies), type A, 7. Last evaluated: 2023-11-10. Review status: criteria provided, single submitter. Criteria: ACMG Guidelines, 2015. Collection method: clinical testing. Allele origin: biparental.

Blueprint Genetics
Classification: Likely pathogenic for ISPD-related disorders. Last evaluated: 2022-11-03. Review status: criteria provided, single submitter. Criteria: ACMG Guidelines, 2015. Collection method: clinical testing. Allele origin: germline. Affected: yes. Observed: 3 variant alleles.

Labcorp Genetics (formerly Invitae), Labcorp
Classification: Uncertain significance for Muscular dystrophy-dystroglycanopathy (congenital with brain and eye anomalies), type A, 7; Autosomal recessive limb-girdle muscular dystrophy type 2U. Last evaluated: 2022-06-10. Review status: criteria provided, single submitter. Criteria: Invitae Variant Classification Sherloc (09022015). Collection method: clinical testing. Allele origin: germline.
Comment: This sequence change disrupts the translational stop signal of the ISPD mRNA. It is expected to extend the length of the ISPD protein by 28 additional amino acid residues. This variant is present in population databases (rs186882839, gnomAD 0.02%). This protein extension has been observed in individual(s) with Walker-Warburg syndrome (PMID: 22522420, 28973083). ClinVar contains an entry for this variant (Variation ID: 561034). Experimental studies and prediction algorithms are not available or were not evaluated, and the functional significance of this variant is currently unknown. In summary, the available evidence is currently insufficient to determine the role of this variant in disease. Therefore, it has been classified as a Variant of Uncertain Significance.

Baylor Genetics
Classification: Pathogenic for Muscular dystrophy-dystroglycanopathy (congenital with brain and eye anomalies), type A, 7. Last evaluated: 2017-09-01. Review status: criteria provided, single submitter. Criteria: ACMG Guidelines, 2015. Collection method: clinical testing. Allele origin: germline. Inheritance: Autosomal recessive inheritance. Affected: yes.

Literature cited by the submitters: PubMed 22522420 (cited by 3 submitters); PubMed 28973083 (cited by Labcorp Genetics (formerly Invitae), Labcorp); PubMed 25326635 (cited by Baylor Genetics).